The following is an entry in ClinVar:

NM_003136.4(SRP54):c.337G>C (p.Gly113Arg)

Gene: SRP54 (signal recognition particle 54; plus strand). Cytogenetic location: 14q13.2.
Variant type: single nucleotide variant.
Coding change: c.337G>C on transcript NM_003136.4 (MANE Select); coding-DNA position 337, G replaced by C.
Protein change: p.Gly113Arg; replaces glycine 113 with arginine.
Molecular consequence: missense variant.
Genome position (GRCh38, 1-based): chr14:35,007,364, G>C. VCF-style: chr14-35007364-G-C. GRCh37 (hg19) VCF-style: chr14-35476570-G-C.
Other names: c.190G>C, p.Gly64Arg (NM_001146282.2); short protein forms G113R, G64R.
Identifiers: ClinVar variation 810688 (VCV000810688.8), dbSNP rs1594996301, ClinGen allele CA389439272.

ClinVar aggregate classification (germline): Likely pathogenic. Review status: criteria provided, multiple submitters, no conflicts (2 of 4 stars). 3 submissions from 3 submitters: Likely pathogenic (2). 1 of the submissions does not count toward it. Last evaluated 2024-02-17.

Conditions:
Neutropenia, severe congenital, 8, autosomal dominant. Also called: NEUTROPENIA, SEVERE CONGENITAL, 8, AUTOSOMAL DOMINANT, WITH OR WITHOUT PANCREATIC DYSFUNCTION AND/OR NEUROLOGIC ABNORMALITIES; SHWACHMAN-DIAMOND SYNDROME-LIKE. Identifiers: Orphanet 675767, MedGen C5203411, MONDO:0032899, OMIM 618752.

Submissions (3):

GeneDx
Classification: Likely pathogenic. Last evaluated: 2024-02-17. Review status: criteria provided, single submitter. Criteria: GeneDx Variant Classification Process June 2021. Collection method: clinical testing. Allele origin: germline. Affected: yes.
Comment: Not observed at significant frequency in large population cohorts (gnomAD); In silico analysis supports that this missense variant has a deleterious effect on protein structure/function; This variant is associated with the following publications: (PMID: 29914977)

Labcorp Genetics (formerly Invitae), Labcorp
Classification: Likely pathogenic. Last evaluated: 2022-09-04. Review status: criteria provided, single submitter. Criteria: Invitae Variant Classification Sherloc (09022015). Collection method: clinical testing. Allele origin: germline.
Comment: Algorithms developed to predict the effect of missense changes on protein structure and function (SIFT, PolyPhen-2, Align-GVGD) all suggest that this variant is likely to be disruptive. In summary, the currently available evidence indicates that the variant is pathogenic, but additional data are needed to prove that conclusively. Therefore, this variant has been classified as Likely Pathogenic. ClinVar contains an entry for this variant (Variation ID: 810688). This missense change has been observed in individual(s) with clinical features of Shwachman-Diamond syndrome (PMID: 29914977). In at least one individual the variant was observed to be de novo. This variant is not present in population databases (gnomAD no frequency). This sequence change replaces glycine, which is neutral and non-polar, with arginine, which is basic and polar, at codon 113 of the SRP54 protein (p.Gly113Arg).

OMIM
Classification: Pathogenic for NEUTROPENIA, SEVERE CONGENITAL, 8, AUTOSOMAL DOMINANT. Last evaluated: 2020-01-31. Review status: no assertion criteria provided. Collection method: literature only. Allele origin: germline. Not counted in ClinVar's aggregate classification.

Literature cited by the submitters: PubMed 29914977 (cited by Labcorp Genetics (formerly Invitae), Labcorp and OMIM).